The following is an entry in ClinVar:

NM_000426.4(LAMA2):c.7300+2T>G

Gene: LAMA2 (laminin subunit alpha 2; plus strand). Cytogenetic location: 6q22.33.
Variant type: single nucleotide variant.
Coding change: c.7300+2T>G on transcript NM_000426.4 (MANE Select); the canonical splice donor site of the intron after coding-DNA position 7300, T replaced by G.
Molecular consequence: splice donor variant.
Genome position (GRCh38, 1-based): chr6:129,465,291, T>G. VCF-style: chr6-129465291-T-G. GRCh37 (hg19) VCF-style: chr6-129786436-T-G.
Other names: c.7300+2T>G (NM_001079823.2).
Identifiers: ClinVar variation 1525000 (VCV001525000.8), dbSNP rs761456598, ClinGen allele CA3994495.

ClinVar aggregate classification (germline): Likely pathogenic (1 of 4 stars; one submission).

Conditions:
LAMA2-related muscular dystrophy (LAMA2-RD). Also called: Laminin alpha 2-related dystrophy. Identifiers: MedGen C5679788, MONDO:0100228.

Allele frequency attached by ClinVar (database versions not stated): gnomAD exomes below 0.00001; ExAC 0.00001.
gnomAD v4.1: 6 of 1,608,568 alleles (0.00037%); highest among the groups gnomAD compares: Non-Finnish European, 0.00051%; no homozygotes.

Submission:

Labcorp Genetics (formerly Invitae), Labcorp
Classification: Likely pathogenic for LAMA2-related muscular dystrophy. Last evaluated: 2023-12-10. Review status: criteria provided, single submitter. Criteria: Invitae Variant Classification Sherloc (09022015). Collection method: clinical testing. Allele origin: germline.
Comment: This sequence change affects a donor splice site in intron 51 of the LAMA2 gene. It is expected to disrupt RNA splicing. Variants that disrupt the donor or acceptor splice site typically lead to a loss of protein function (PMID: 16199547), and loss-of-function variants in LAMA2 are known to be pathogenic (PMID: 18700894, 32904964). This variant is present in population databases (rs761456598, gnomAD 0.0009%). This variant has not been reported in the literature in individuals affected with LAMA2-related conditions. ClinVar contains an entry for this variant (Variation ID: 1525000). Algorithms developed to predict the effect of sequence changes on RNA splicing suggest that this variant may disrupt the consensus splice site. In summary, the currently available evidence indicates that the variant is pathogenic, but additional data are needed to prove that conclusively. Therefore, this variant has been classified as Likely Pathogenic.

Literature cited by the submitters: PubMed 16199547; PubMed 18700894; PubMed 32904964.